The following is an entry in ClinVar:

ClinVar aggregate classification (germline): Conflicting classifications of pathogenicity. Review status: criteria provided, conflicting classifications (1 of 4 stars). 2 submissions from 2 submitters: Uncertain significance (1); Likely benign (1). Last evaluated 2025-11-03.

Conditions:
Candidiasis, familial, 9 (CANDF9). Identifiers: Orphanet 1334, MedGen C4225324, MONDO:0014642, OMIM 616445.

Allele frequency attached by ClinVar (database versions not stated): gnomAD exomes below 0.00001 and 0.00001; gnomAD 0.00001; TOPMed 0.00001.
gnomAD v4.1: 17 of 1,613,616 alleles (0.0011%); highest among the groups gnomAD compares: Non-Finnish European, 0.001%; no homozygotes.

Submissions (2):

Ambry Genetics
Classification: Likely benign. Last evaluated: 2025-11-03. Review status: criteria provided, single submitter. Criteria: Ambry Variant Classification Scheme 2023. Collection method: clinical testing. Allele origin: germline.

Labcorp Genetics (formerly Invitae), Labcorp
Classification: Uncertain significance for Candidiasis, familial, 9. Last evaluated: 2025-02-27. Review status: criteria provided, single submitter. Criteria: Invitae Variant Classification Sherloc (09022015). Collection method: clinical testing. Allele origin: germline.
Comment: This sequence change replaces proline, which is neutral and non-polar, with leucine, which is neutral and non-polar, at codon 128 of the IL17RC protein (p.Pro128Leu). The frequency data for this variant in the population databases is considered unreliable, as metrics indicate poor data quality at this position in the gnomAD database. This variant has not been reported in the literature in individuals affected with IL17RC-related conditions. ClinVar contains an entry for this variant (Variation ID: 1398542). An algorithm developed to predict the effect of missense changes on protein structure and function outputs the following: PolyPhen-2: "Benign". The leucine amino acid residue is found in multiple mammalian species, which suggests that this missense change does not adversely affect protein function. In summary, the available evidence is currently insufficient to determine the role of this variant in disease. Therefore, it has been classified as a Variant of Uncertain Significance.

NM_153460.4(IL17RC):c.170C>T (p.Pro57Leu)

Gene: IL17RC (interleukin 17 receptor C; plus strand). Cytogenetic location: 3p25.3.
Variant type: single nucleotide variant.
Coding change: c.170C>T on transcript NM_153460.4 (MANE Select); coding-DNA position 170, C replaced by T.
Protein change: p.Pro57Leu; replaces proline 57 with leucine.
Molecular consequence: missense variant. On other transcripts: non-coding transcript variant (1).
Genome position (GRCh38, 1-based): chr3:9,917,965, C>T. VCF-style: chr3-9917965-C-T. GRCh37 (hg19) VCF-style: chr3-9959649-C-T.
Other names: c.170C>T, p.Pro57Leu (NM_001203263.2, NM_001203264.2, NM_001203265.2 and 4 more transcripts); c.383C>T, p.Pro128Leu (NM_153461.4); c.383C>T (NM_153461.3); short protein forms P128L, P57L.
Identifiers: ClinVar variation 1398542 (VCV001398542.9), dbSNP rs1475549372, ClinGen allele CA351754986.